The following is an entry in ClinVar:

ClinVar aggregate classification (germline): Uncertain significance (1 of 4 stars; one submission).

Allele frequency attached by ClinVar (database versions not stated): gnomAD 0.00001.
gnomAD v4.1: 9 of 1,614,062 alleles (0.00056%); highest among the groups gnomAD compares: Non-Finnish European, 0.00076%; no homozygotes.

Submission:

CeGaT Center for Human Genetics Tuebingen
Classification: Uncertain significance. Last evaluated: 2023-12-01. Review status: criteria provided, single submitter. Criteria: CeGaT Center For Human Genetics Tuebingen Variant Classification Criteria Version 2. Collection method: clinical testing. Allele origin: germline. Affected: yes. Observed: 1 variant allele.
Comment: GLI3: PP3

NM_000168.6(GLI3):c.4576A>G (p.Ser1526Gly)

Gene: GLI3 (GLI family zinc finger 3; minus strand). Cytogenetic location: 7p14.1.
Variant type: single nucleotide variant.
Coding change: c.4576A>G on transcript NM_000168.6 (MANE Select); coding-DNA position 4576, A replaced by G.
Protein change: p.Ser1526Gly; replaces serine 1526 with glycine.
Molecular consequence: missense variant.
Genome position (GRCh38, 1-based): chr7:41,964,497, T>C on the plus strand (A>G on the coding strand, the complement: GLI3 is on the minus strand). VCF-style: chr7-41964497-T-C. GRCh37 (hg19) VCF-style: chr7-42004095-T-C.
Other names: short protein forms S1526G.
Identifiers: ClinVar variation 3025817 (VCV003025817.22), dbSNP rs761099870, ClinGen allele CA4230100.